The following is an entry in ClinVar:

GRCh38/hg38 7p22.3(chr7:54185-1843584)x1

Genes: ADAP1 (ArfGAP with dual PH domains 1; minus strand), CHLSN (cholesin; minus strand), CHLSN-AS1 (CHLSN antisense RNA 1; plus strand), COX19 (cytochrome c oxidase assembly factor COX19; minus strand), CYP2W1 (cytochrome P450 family 2 subfamily W member 1; plus strand) and 138 more. Cytogenetic location: 7p22.3.
Variant type: copy number loss.
Change: copy number 1 (one copy instead of two) of chr7:54,185-1,843,584 (1.79 Mb, GRCh38 coordinates, 1-based), cytogenetic band 7p22.3.
Identifiers: ClinVar variation 160967 (VCV000160967.1).

ClinVar aggregate classification (germline): Pathogenic (1 of 4 stars; one submission).

Submission:

ISCA site 4
Classification: Pathogenic. Last evaluated: 2011-08-12. Review status: criteria provided, single submitter. Criteria: Kaminsky et al. (Genet Med. 2011). Collection method: clinical testing. Allele origin: unknown. Affected: yes. Observed: 1 variant allele.
Comment: Copy number variation identified through the course of routine clinical cytogenomic testing in postnatal populations. Clinical assertions have been curated as described in Kaminsky et al. 2011.